The following is an entry in ClinVar:

ClinVar aggregate classification (germline): Conflicting classifications of pathogenicity. Review status: criteria provided, conflicting classifications (1 of 4 stars). 2 submissions from 2 submitters: Uncertain significance (1); Likely benign (1). Last evaluated 2026-03-04.

Conditions:
Hereditary cancer-predisposing syndrome. Also called: Neoplastic Syndromes, Hereditary; Tumor predisposition; Hereditary Cancer Syndrome; Hereditary neoplastic syndrome. Identifiers: Orphanet 140162, MedGen C0027672, MeSH D009386, MONDO:0015356.
EGFR-related lung cancer (EGFR). Identifiers: MedGen CN130014.

Allele frequency attached by ClinVar (database versions not stated): ExAC 0.00003.
gnomAD v4.1: 2 of 1,505,826 alleles (0.00013%); highest among the groups gnomAD compares: South Asian, 0.0012%; no homozygotes.

Submissions (2):

Ambry Genetics
Classification: Likely benign for Hereditary cancer-predisposing syndrome. Last evaluated: 2026-03-04. Review status: criteria provided, single submitter. Criteria: Ambry Variant Classification Scheme 2023. Collection method: clinical testing. Allele origin: germline.

Labcorp Genetics (formerly Invitae), Labcorp
Classification: Uncertain significance for EGFR-related lung cancer. Last evaluated: 2021-11-08. Review status: criteria provided, single submitter. Criteria: Invitae Variant Classification Sherloc (09022015). Collection method: clinical testing. Allele origin: germline.
Comment: Algorithms developed to predict the effect of missense changes on protein structure and function are either unavailable or do not agree on the potential impact of this missense change (SIFT: "Deleterious"; PolyPhen-2: "Probably Damaging"; Align-GVGD: "Class C0"). This variant has not been reported in the literature in individuals affected with EGFR-related conditions. The frequency data for this variant in the population databases is considered unreliable, as metrics indicate poor data quality at this position in the gnomAD database. This sequence change replaces serine, which is neutral and polar, with phenylalanine, which is neutral and non-polar, at codon 4 of the EGFR protein (p.Ser4Phe). In summary, the available evidence is currently insufficient to determine the role of this variant in disease. Therefore, it has been classified as a Variant of Uncertain Significance.

NM_005228.5(EGFR):c.11C>T (p.Ser4Phe)

Gene: EGFR (epidermal growth factor receptor; plus strand). Cytogenetic location: 7p11.2.
Variant type: single nucleotide variant.
Coding change: c.11C>T on transcript NM_005228.5 (MANE Select); coding-DNA position 11, C replaced by T.
Protein change: p.Ser4Phe; replaces serine 4 with phenylalanine.
Molecular consequence: missense variant.
Genome position (GRCh38, 1-based): chr7:55,019,288, C>T. VCF-style: chr7-55019288-C-T. GRCh37 (hg19) VCF-style: chr7-55086981-C-T.
Other names: c.11C>T, p.Ser4Phe (NM_001346897.2, NM_001346898.2, NM_001346899.2 and 4 more transcripts); c.11C>T (NM_005228.3); short protein forms S4F.
Identifiers: ClinVar variation 1437627 (VCV001437627.7), dbSNP rs771210838, ClinGen allele CA4265098.